The following is an entry in ClinVar:

ClinVar aggregate classification (germline): Uncertain significance (1 of 4 stars; one submission).

Conditions:
Hereditary cancer-predisposing syndrome. Also called: Neoplastic Syndromes, Hereditary; Hereditary neoplastic syndrome; Tumor predisposition; Hereditary Cancer Syndrome. Identifiers: Orphanet 140162, MedGen C0027672, MeSH D009386, MONDO:0015356.

Submission:

Ambry Genetics
Classification: Uncertain significance for Hereditary cancer-predisposing syndrome. Last evaluated: 2026-02-27. Review status: criteria provided, single submitter. Criteria: Ambry Variant Classification Scheme 2023. Collection method: clinical testing. Allele origin: germline.
Comment: The c.1669_1674delCTGAGC variant (also known as p.L557_S558del) is located in coding exon 11 of the FLCN gene. This variant results from an in-frame CTGAGC deletion at nucleotide positions 1669 to 1674. This results in the in-frame deletion of a leucine and serine at codons 557 to 558. This amino acid region is highly conserved in available vertebrate species. In addition, this variant is predicted to be deleterious by in silico analysis (Choi Y et al. PLoS ONE. 2012; 7(10):e46688). Based on the available evidence, the clinical significance of this variant remains unclear.

NM_144997.7(FLCN):c.1669_1674del (p.Leu557_Ser558del)

Gene: FLCN (folliculin; minus strand). Cytogenetic location: 17p11.2.
Variant type: Deletion.
Coding change: c.1669_1674del on transcript NM_144997.7 (MANE Select); coding-DNA positions 1669 to 1674, 6 bases deleted (CTGAGC; older notation c.1669_1674delCTGAGC).
Protein change: p.Leu557_Ser558del.
Molecular consequence: inframe indel (on NM_144997.5).
Genome position (GRCh38, 1-based): chr17:17,213,721-17,213,726, GCTCAG deleted on the plus strand (CTGAGC on the coding strand, the reverse complement: FLCN is on the minus strand); deleting any 6 consecutive bases within chr17:17,213,721-17,213,728 gives the same sequence; the c. name uses the placement nearest the transcript's 3' end. VCF-style (leftmost placement, unchanged base first): chr17-17213720-TGCTCAG-T. GRCh37 (hg19) VCF-style: chr17-17117034-TGCTCAG-T.
Other names: c.1723_1728del, p.Leu575_Ser576del (NM_001353229.2); c.1669_1674delCTGAGC (NM_144997.5); c.1669_1674del, p.Leu557_Ser558del (NM_001353230.2, NM_001353231.2).
Identifiers: ClinVar variation 4824724 (VCV004824724.1).